The following is an entry in ClinVar:

NM_001388453.1(QRICH2):c.5115A>G (p.Lys1705=)

Gene: QRICH2 (glutamine rich 2; minus strand). Cytogenetic location: 17q25.1.
Variant type: single nucleotide variant.
Coding change: c.5115A>G on transcript NM_001388453.1 (MANE Select); coding-DNA position 5115, A replaced by G.
Protein change: p.Lys1705=; no amino-acid change (lysine 1705 retained).
Molecular consequence: synonymous variant. On other transcripts: non-coding transcript variant (1).
Genome position (GRCh38, 1-based): chr17:76,277,991, T>C on the plus strand (A>G on the coding strand, the complement: QRICH2 is on the minus strand). VCF-style: chr17-76277991-T-C. GRCh37 (hg19) VCF-style: chr17-74274072-T-C.
Other names: c.5115A>G, p.Lys1705= (NM_032134.3).
Identifiers: ClinVar variation 2648301 (VCV002648301.24), dbSNP rs140284407, ClinGen allele CA8783252.

ClinVar aggregate classification (germline): Likely benign (1 of 4 stars; one submission).

Allele frequency attached by ClinVar (database versions not stated): ESP Exome Variant Server 0.00031; 1000 Genomes Project 0.00040; 1000 Genomes Project 30x 0.00047; ExAC 0.00047; gnomAD exomes 0.00065.

Submission:

CeGaT Center for Human Genetics Tuebingen
Classification: Likely benign. Last evaluated: 2023-03-01. Review status: criteria provided, single submitter. Criteria: CeGaT Center For Human Genetics Tuebingen Variant Classification Criteria Version 2. Collection method: clinical testing. Allele origin: germline. Affected: yes. Observed: 1 variant allele.
Comment: QRICH2: BP4, BP7